The following is an entry in ClinVar:

ClinVar aggregate classification (germline): Uncertain significance (1 of 4 stars; one submission).

Conditions:
Inborn genetic diseases. Identifiers: MedGen C0950123, MeSH D030342.

Submission:

Ambry Genetics
Classification: Uncertain significance for Inborn genetic diseases. Last evaluated: 2025-02-21. Review status: criteria provided, single submitter. Criteria: Ambry Variant Classification Scheme 2023. Collection method: clinical testing. Allele origin: germline.
Comment: The p.P1317S variant (also known as c.3949C>T), located in coding exon 13 of the ASXL1 gene, results from a C to T substitution at nucleotide position 3949. The proline at codon 1317 is replaced by serine, an amino acid with similar properties. This amino acid position is conserved. In addition, this alteration is predicted to be tolerated by in silico analysis. Based on the available evidence, the clinical significance of this variant remains unclear.

NM_015338.6(ASXL1):c.3949C>T (p.Pro1317Ser)

Gene: ASXL1 (ASXL transcriptional regulator 1; plus strand). Cytogenetic location: 20q11.21.
Variant type: single nucleotide variant.
Coding change: c.3949C>T on transcript NM_015338.6 (MANE Select); coding-DNA position 3949, C replaced by T.
Protein change: p.Pro1317Ser; replaces proline 1317 with serine.
Molecular consequence: missense variant.
Genome position (GRCh38, 1-based): chr20:32,436,661, C>T. VCF-style: chr20-32436661-C-T. GRCh37 (hg19) VCF-style: chr20-31024464-C-T.
Other names: c.3766C>T, p.Pro1256Ser (NM_001363734.1); short protein forms P1317S, P1256S.
Identifiers: ClinVar variation 3793675 (VCV003793675.1).